The following is an entry in ClinVar:

NM_014795.4(ZEB2):c.1430A>G (p.Asp477Gly)

Gene: ZEB2 (zinc finger E-box binding homeobox 2; minus strand). Cytogenetic location: 2q22.3.
Variant type: single nucleotide variant.
Coding change: c.1430A>G on transcript NM_014795.4 (MANE Select); coding-DNA position 1430, A replaced by G.
Protein change: p.Asp477Gly; replaces aspartic acid 477 with glycine.
Molecular consequence: missense variant.
Genome position (GRCh38, 1-based): chr2:144,399,757, T>C on the plus strand (A>G on the coding strand, the complement: ZEB2 is on the minus strand). VCF-style: chr2-144399757-T-C. GRCh37 (hg19) VCF-style: chr2-145157324-T-C.
Other names: c.1358A>G, p.Asp453Gly (NM_001171653.2); short protein forms D453G, D477G.
Identifiers: ClinVar variation 1719821 (VCV001719821.5), dbSNP rs2549106837, ClinGen allele CA348711864.

ClinVar aggregate classification (germline): Uncertain significance (1 of 4 stars; one submission).

Conditions:
Mowat-Wilson syndrome (MOWS). Also called: Classic Mowat-Wilson Syndrome. Identifiers: Orphanet 2152, MedGen C1856113, MONDO:0009341, OMIM 235730.

Submission:

Labcorp Genetics (formerly Invitae), Labcorp
Classification: Uncertain significance for Mowat-Wilson syndrome. Last evaluated: 2022-09-19. Review status: criteria provided, single submitter. Criteria: Invitae Variant Classification Sherloc (09022015). Collection method: clinical testing. Allele origin: germline.
Comment: Advanced modeling of protein sequence and biophysical properties (such as structural, functional, and spatial information, amino acid conservation, physicochemical variation, residue mobility, and thermodynamic stability) performed at Invitae indicates that this missense variant is not expected to disrupt ZEB2 protein function. This variant has not been reported in the literature in individuals affected with ZEB2-related conditions. This variant is not present in population databases (gnomAD no frequency). This sequence change replaces aspartic acid, which is acidic and polar, with glycine, which is neutral and non-polar, at codon 477 of the ZEB2 protein (p.Asp477Gly). In summary, the available evidence is currently insufficient to determine the role of this variant in disease. Therefore, it has been classified as a Variant of Uncertain Significance.